The following is an entry in ClinVar:

NM_004385.5(VCAN):c.7058C>T (p.Thr2353Met)

Genes: VCAN (versican; plus strand), VCAN-AS1 (VCAN antisense RNA 1; minus strand). Cytogenetic location: 5q14.3.
Variant type: single nucleotide variant.
Coding change: c.7058C>T on transcript NM_004385.5 (MANE Select); coding-DNA position 7058, C replaced by T.
Protein change: p.Thr2353Met; replaces threonine 2353 with methionine.
Molecular consequence: missense variant. On other transcripts: intron variant (2).
Genome position (GRCh38, 1-based): chr5:83,540,061, C>T. VCF-style: chr5-83540061-C-T. GRCh37 (hg19) VCF-style: chr5-82835880-C-T.
Other names: c.4097C>T, p.Thr1366Met (NM_001164097.2); c.4004-5476C>T (NM_001164098.2); c.1043-5476C>T (NM_001126336.3); short protein forms T1366M, T2353M.
Identifiers: ClinVar variation 843215 (VCV000843215.9), dbSNP rs200015194, ClinGen allele CA3333569.
Genomic context (GRCh38, chr5:83,540,061, plus strand): 5'-TAGAAATTTTAAGTGACACTGGAGCAGAAGGACCCACGGTGGCACCTCTCCCTTTCTCCA[C>T]GGACATCGGACATCCTCAAAATCAGACTGTCAGGTGGGCAGAAGAAATCCAGACTAGTAG-3'
Protein context (NP_004376.2, residues 2343-2363): GPTVAPLPFS[Thr2353Met]DIGHPQNQTV

ClinVar aggregate classification (germline): Conflicting classifications of pathogenicity. Review status: criteria provided, conflicting classifications (1 of 4 stars). 2 submissions from 2 submitters: Uncertain significance (1); Likely benign (1). Last evaluated 2026-01-12.

Allele frequency attached by ClinVar (database versions not stated): gnomAD 0.00020 and 0.00019; 1000 Genomes Project 30x 0.00094; gnomAD exomes 0.00013 and 0.00010; ESP Exome Variant Server 0.00015; ExAC 0.00016; TOPMed 0.00018.
gnomAD v4.1: 188 of 1,614,028 alleles (0.012%); highest among the groups gnomAD compares: Middle Eastern, 0.066%; no homozygotes.

Submissions (2):

Labcorp Genetics (formerly Invitae), Labcorp
Classification: Uncertain significance. Last evaluated: 2026-01-12. Review status: criteria provided, single submitter. Criteria: Invitae Variant Classification Sherloc (09022015). Collection method: clinical testing. Allele origin: germline.
Comment: This sequence change replaces threonine, which is neutral and polar, with methionine, which is neutral and non-polar, at codon 2353 of the VCAN protein (p.Thr2353Met). This variant is present in population databases (rs200015194, gnomAD 0.06%), and has an allele count higher than expected for a pathogenic variant. This variant has not been reported in the literature in individuals affected with VCAN-related conditions. ClinVar contains an entry for this variant (Variation ID: 843215). An algorithm developed to predict the effect of missense changes on protein structure and function outputs the following: PolyPhen-2: "Benign". The methionine amino acid residue is found in multiple mammalian species, which suggests that this missense change does not adversely affect protein function. In summary, the available evidence is currently insufficient to determine the role of this variant in disease. Therefore, it has been classified as a Variant of Uncertain Significance.

Blueprint Genetics
Classification: Likely benign. Last evaluated: 2023-03-02. Review status: criteria provided, single submitter. Criteria: ACMG Guidelines, 2015. Collection method: clinical testing. Allele origin: germline.